The following is an entry in ClinVar:

NM_001370658.1(BTD):c.920dup (p.Asn307fs)

Gene: BTD (biotinidase; plus strand). Cytogenetic location: 3p25.1.
Variant type: Duplication.
Coding change: c.920dup on transcript NM_001370658.1 (MANE Select); coding-DNA position 920, one base duplicated (A; older notation c.920dupA).
Protein change: p.Asn307fs; shifts the reading frame from asparagine 307.
Molecular consequence: frameshift variant. On other transcripts: intron variant (1).
Genome position (GRCh38, 1-based): chr3:15,644,836, A duplicated; the last of 4 consecutive A bases (chr3:15,644,833-15,644,836); duplicating any one gives the same sequence. VCF-style (leftmost placement, unchanged base first): chr3-15644832-G-GA. GRCh37 (hg19) VCF-style: chr3-15686339-G-GA.
Other names: c.920dup, p.Asn307Lysfs (NM_001407367.1, NM_001407368.1, NM_001407369.1 and 16 more transcripts); c.399+2779dup (NM_001370753.1); c.980dup, p.Asn327Lysfs (NM_000060.4); c.920dup, p.Asn307fs (NM_001281724.3, NM_001370752.1); c.920dupA (NM_001370658.1); short protein forms N307fs.
Identifiers: ClinVar variation 1878420 (VCV001878420.1), dbSNP rs2471515729, ClinGen allele CA2580068527.

ClinVar aggregate classification (germline): Likely pathogenic (1 of 4 stars; one submission).

Conditions:
Biotinidase deficiency. Also called: BTD deficiency; Late-onset biotin-responsive multiple carboxylase deficiency; Biotin deficiency. Identifiers: Orphanet 79241, MedGen C0220754, MONDO:0009665, OMIM 253260.

Submission:

Women's Health and Genetics/Laboratory Corporation of America, LabCorp
Classification: Likely pathogenic for Biotinidase deficiency. Last evaluated: 2022-12-31. Review status: criteria provided, single submitter. Criteria: LabCorp Variant Classification Summary - May 2015. Collection method: clinical testing. Allele origin: germline.
Comment: Variant summary: BTD c.920dupA (p.Asn307LysfsX27) results in a premature termination codon and is predicted to cause a truncation of the encoded protein, which is a commonly known mechanism for disease. Truncations downstream of this position have been classified as pathogenic within ClinVar (e.g. c.932_941del [p.His311fs], c.1025T>A [p.Leu342Ter]). The variant was absent in 251338 control chromosomes (gnomAD). To our knowledge, no occurrence of c.920dupA in individuals affected with Biotinidase Deficiency and no experimental evidence demonstrating its impact on protein function have been reported. No clinical diagnostic laboratories have submitted clinical-significance assessments for this variant to ClinVar after 2014. Based on the evidence outlined above, the variant was classified as likely pathogenic.